The following is an entry in ClinVar:

NM_012431.3(SEMA3E):c.2188G>A (p.Glu730Lys)

Gene: SEMA3E (semaphorin 3E; minus strand). Cytogenetic location: 7q21.11.
Variant type: single nucleotide variant.
Coding change: c.2188G>A on transcript NM_012431.3 (MANE Select); coding-DNA position 2188, G replaced by A.
Protein change: p.Glu730Lys; replaces glutamic acid 730 with lysine.
Molecular consequence: missense variant.
Genome position (GRCh38, 1-based): chr7:83,367,726, C>T on the plus strand (G>A on the coding strand, the complement: SEMA3E is on the minus strand). VCF-style: chr7-83367726-C-T. GRCh37 (hg19) VCF-style: chr7-82997042-C-T.
Other names: c.2008G>A, p.Glu670Lys (NM_001178129.2); short protein forms E670K, E730K.
Identifiers: ClinVar variation 3351471 (VCV003351471.1).

ClinVar aggregate classification (germline): Uncertain significance (0 of 4 stars; one submission).

Conditions:
SEMA3E-related disorder. Also called: SEMA3E-related condition.

gnomAD v4.1: 3 of 1,614,068 alleles (0.00019%); highest among the groups gnomAD compares: Non-Finnish European, 0.00025%; no homozygotes.

Submission:

PreventionGenetics, part of Exact Sciences
Classification: Uncertain significance for SEMA3E-related condition. Last evaluated: 2023-12-27. Review status: no assertion criteria provided. Collection method: clinical testing. Allele origin: germline.
Comment: The SEMA3E c.2188G>A variant is predicted to result in the amino acid substitution p.Glu730Lys. To our knowledge, this variant has not been reported in the literature. This variant is reported in 0.00088% of alleles in individuals of European (Non-Finnish) descent in gnomAD. At this time, the clinical significance of this variant is uncertain due to the absence of conclusive functional and genetic evidence.